The following is an entry in ClinVar:

NM_000321.3(RB1):c.1963T>G (p.Tyr655Asp)

Gene: RB1 (RB transcriptional corepressor 1; plus strand). Cytogenetic location: 13q14.2.
Variant type: single nucleotide variant.
Coding change: c.1963T>G on transcript NM_000321.3 (MANE Select); coding-DNA position 1963, T replaced by G.
Protein change: p.Tyr655Asp; replaces tyrosine 655 with aspartic acid.
Molecular consequence: missense variant.
Genome position (GRCh38, 1-based): chr13:48,459,690, T>G. VCF-style: chr13-48459690-T-G. GRCh37 (hg19) VCF-style: chr13-49033826-T-G.
Other names: c.1963T>G, p.Tyr655Asp (NM_001407165.1); short protein forms Y655D.
Identifiers: ClinVar variation 2450517 (VCV002450517.4), dbSNP rs2138335795, ClinGen allele CA388166676.

ClinVar aggregate classification (germline): Uncertain significance. Review status: criteria provided, multiple submitters, no conflicts (2 of 4 stars). 2 submissions from 2 submitters: Uncertain significance (2). Last evaluated 2026-07-09.

Conditions:
Retinoblastoma (RB1). Also called: RETINOBLASTOMA, SOMATIC. Identifiers: Orphanet 790, MedGen C0035335, MeSH D012175, MONDO:0008380, OMIM 180200, HP:0009919. Disease mechanism: loss of function. Inheritance: Both sporadic and heritable forms are tested..
Hereditary cancer-predisposing syndrome. Also called: Hereditary Cancer Syndrome; Hereditary neoplastic syndrome; Neoplastic Syndromes, Hereditary; Tumor predisposition. Identifiers: Orphanet 140162, MedGen C0027672, MeSH D009386, MONDO:0015356.

Allele frequency attached by ClinVar (database versions not stated): gnomAD 0.00001.
gnomAD v4.1: 1 of 1,614,070 alleles (0.000062%); highest among the groups gnomAD compares: Non-Finnish European, 0.000085%; no homozygotes.

Submissions (2):

Ambry Genetics
Classification: Uncertain significance for Hereditary cancer-predisposing syndrome. Last evaluated: 2026-07-09. Review status: criteria provided, single submitter. Criteria: Ambry Variant Classification Scheme 2023. Collection method: clinical testing. Allele origin: germline.
Comment: The p.Y655D variant (also known as c.1963T>G), located in coding exon 20 of the RB1 gene, results from a T to G substitution at nucleotide position 1963. The tyrosine at codon 655 is replaced by aspartic acid, an amino acid with highly dissimilar properties. This amino acid position is highly conserved in available vertebrate species. In addition, this alteration is predicted to be deleterious by in silico analysis. Based on the available evidence, the clinical significance of this variant remains unclear.

All of Us Research Program, National Institutes of Health
Classification: Uncertain significance for Retinoblastoma. Last evaluated: 2023-06-08. Review status: criteria provided, single submitter. Criteria: ACMG Guidelines, 2015. Collection method: clinical testing. Allele origin: germline. Inheritance: Autosomal dominant inheritance. Observed: 1 variant allele, 1 heterozygote.
Comment: This missense variant replaces tyrosine with aspartic acid at codon 655 of the RB1 protein. Computational prediction suggests that this variant may have deleterious impact on protein structure and function (internally defined REVEL score threshold >= 0.7, PMID: 27666373). To our knowledge, functional studies have not been reported for this variant. This variant has not been reported in individuals affected with RB1-related disorders in the literature. This variant has not been identified in the general population by the Genome Aggregation Database (gnomAD). The available evidence is insufficient to determine the role of this variant in disease conclusively. Therefore, this variant is classified as a Variant of Uncertain Significance.

This study involves interpretation of variants in research participants for the purpose of population health screening. Participant phenotype was not available at the time of variant classification. Additional details can be found in publication PMID: 35346344, PMCID: PMC8962531